The following is an entry in ClinVar:

ClinVar aggregate classification (germline): Uncertain significance (1 of 4 stars; one submission).

Conditions:
Hereditary pancreatitis (PCTT). Also called: Hereditary chronic pancreatitis; PRSS1-Related Hereditary Pancreatitis. Identifiers: Orphanet 676, MedGen C0238339, MONDO:0008185, OMIM 167800.

Allele frequency attached by ClinVar (database versions not stated): TOPMed below 0.00001.

Submission:

Ambry Genetics
Classification: Uncertain significance for Hereditary pancreatitis. Last evaluated: 2024-10-12. Review status: criteria provided, single submitter. Criteria: Ambry Variant Classification Scheme 2023. Collection method: clinical testing. Allele origin: germline.
Comment: The p.E264K variant (also known as c.790G>A), located in coding exon 7 of the CTRC gene, results from a G to A substitution at nucleotide position 790. The glutamic acid at codon 264 is replaced by lysine, an amino acid with similar properties. This amino acid position is conserved. In addition, this alteration is predicted to be tolerated by in silico analysis. Since supporting evidence is limited at this time, the clinical significance of this alteration remains unclear.

NM_007272.3(CTRC):c.790G>A (p.Glu264Lys)

Gene: CTRC (chymotrypsin C; plus strand). Cytogenetic location: 1p36.21.
Variant type: single nucleotide variant.
Coding change: c.790G>A on transcript NM_007272.3 (MANE Select); coding-DNA position 790, G replaced by A.
Protein change: p.Glu264Lys; replaces glutamic acid 264 with lysine.
Molecular consequence: missense variant.
Genome position (GRCh38, 1-based): chr1:15,445,747, G>A. VCF-style: chr1-15445747-G-A. GRCh37 (hg19) VCF-style: chr1-15772242-G-A.
Other names: short protein forms E264K.
Identifiers: ClinVar variation 1761182 (VCV001761182.3), dbSNP rs1428850483, ClinGen allele CA338568066.